The following is an entry in ClinVar:

NM_019112.4(ABCA7):c.4168T>C (p.Phe1390Leu)

Gene: ABCA7 (ATP binding cassette subfamily A member 7; plus strand). Cytogenetic location: 19p13.3.
Variant type: single nucleotide variant.
Coding change: c.4168T>C on transcript NM_019112.4 (MANE Select); coding-DNA position 4168, T replaced by C.
Protein change: p.Phe1390Leu; replaces phenylalanine 1390 with leucine.
Molecular consequence: missense variant.
Genome position (GRCh38, 1-based): chr19:1,055,314, T>C. VCF-style: chr19-1055314-T-C. GRCh37 (hg19) VCF-style: chr19-1055313-T-C.
Other names: short protein forms F1390L.
Identifiers: ClinVar variation 2648894 (VCV002648894.24), dbSNP rs112719199, ClinGen allele CA9034354.

ClinVar aggregate classification (germline): Uncertain significance (1 of 4 stars; one submission).

Allele frequency attached by ClinVar (database versions not stated): ESP Exome Variant Server 0.00016; ExAC 0.00017; gnomAD 0.00023; TOPMed 0.00025; gnomAD exomes 0.00050.
gnomAD v4.1: 757 of 1,603,240 alleles (0.047%); highest among the groups gnomAD compares: Non-Finnish European, 0.061%; no homozygotes.

Submission:

CeGaT Center for Human Genetics Tuebingen
Classification: Uncertain significance. Last evaluated: 2023-08-01. Review status: criteria provided, single submitter. Criteria: CeGaT Center For Human Genetics Tuebingen Variant Classification Criteria Version 2. Collection method: clinical testing. Allele origin: germline. Affected: yes. Observed: 1 variant allele.
Comment: ABCA7: PS4:Moderate